The following is an entry in ClinVar:

NM_001267550.2(TTN):c.69557G>A (p.Trp23186Ter)

Genes: TTN (titin; minus strand), TTN-AS1 (TTN antisense RNA 1; plus strand). Cytogenetic location: 2q31.2.
Variant type: single nucleotide variant.
Coding change: c.69557G>A on transcript NM_001267550.2 (MANE Select); coding-DNA position 69557, G replaced by A.
Protein change: p.Trp23186Ter; replaces tryptophan 23186 with a stop codon.
Molecular consequence: nonsense.
Genome position (GRCh38, 1-based): chr2:178,576,687, C>T on the plus strand (G>A on the coding strand, the complement: TTN is on the minus strand). VCF-style: chr2-178576687-C-T. GRCh37 (hg19) VCF-style: chr2-179441414-C-T.
Other names: c.64634G>A, p.Trp21545Ter (NM_001256850.1); c.42362G>A, p.Trp14121Ter (NM_003319.4); c.61853G>A, p.Trp20618Ter (NM_133378.4); c.42737G>A, p.Trp14246Ter (NM_133432.3); c.42938G>A, p.Trp14313Ter (NM_133437.4); short protein forms W14121*, W14246*, W14313*, W20618*, W21545*, W23186*.
Identifiers: ClinVar variation 3336663 (VCV003336663.1).
Genomic context (GRCh38, chr2:178,576,687, plus strand): 5'-TCTTGCAGTCCTGTTACTTTGCACCTGAGATCGGAAACTGGTGTTTTTATTGCTCTCACC[C>T]ATCGCAGGCTTTTCTTTTCTCTCCTTTCTACATGATATCCTGTAATTTCGCTGCCACCAT-3'

ClinVar aggregate classification (germline): Likely pathogenic (1 of 4 stars; one submission).

Conditions:
Dilated cardiomyopathy 1G (CMD1G). Identifiers: Orphanet 154, MedGen C1858763, MONDO:0011400, OMIM 604145.

Submission:

Laboratory of Cardiovascular Genetics, IRCCS Istituto Auxologico Italiano
Classification: Likely pathogenic for Dilated cardiomyopathy 1G. Review status: criteria provided, single submitter. Criteria: ACMG Guidelines, 2015. Collection method: research. Allele origin: germline. Affected: yes.
Comment: This nonsense mutation (SNV) in TITIN gene (NM_001267550.2):c.69557G>A p.(Trp23186Ter) causes stop codon, which lead to shorter and probably non functional protein.